The following is an entry in ClinVar:

NM_032383.5(HPS3):c.2273A>G (p.Glu758Gly)

Gene: HPS3 (HPS3 biogenesis of lysosomal organelles complex 2 subunit 1; plus strand). Cytogenetic location: 3q24.
Variant type: single nucleotide variant.
Coding change: c.2273A>G on transcript NM_032383.5 (MANE Select); coding-DNA position 2273, A replaced by G.
Protein change: p.Glu758Gly; replaces glutamic acid 758 with glycine.
Molecular consequence: missense variant.
Genome position (GRCh38, 1-based): chr3:149,162,314, A>G. VCF-style: chr3-149162314-A-G. GRCh37 (hg19) VCF-style: chr3-148880101-A-G.
Other names: c.2273A>G (NM_032383.3); c.1778A>G, p.Glu593Gly (NM_001308258.2); short protein forms E593G, E758G.
Identifiers: ClinVar variation 1440980 (VCV001440980.7), dbSNP rs1001729830, ClinGen allele CA85514236.

ClinVar aggregate classification (germline): Uncertain significance. Review status: criteria provided, multiple submitters, no conflicts (2 of 4 stars). 2 submissions from 2 submitters: Uncertain significance (2). Last evaluated 2025-08-27.

Conditions:
Inborn genetic diseases. Identifiers: MedGen C0950123, MeSH D030342.

Allele frequency attached by ClinVar (database versions not stated): gnomAD exomes below 0.00001 and 0.00001; gnomAD 0.00002; TOPMed 0.00002.
gnomAD v4.1: 23 of 1,613,886 alleles (0.0014%); highest among the groups gnomAD compares: Non-Finnish European, 0.0019%; no homozygotes.

Submissions (2):

Ambry Genetics
Classification: Uncertain significance for Inborn genetic diseases. Last evaluated: 2025-08-27. Review status: criteria provided, single submitter. Criteria: Ambry Variant Classification Scheme 2023. Collection method: clinical testing. Allele origin: germline.

Labcorp Genetics (formerly Invitae), Labcorp
Classification: Uncertain significance. Last evaluated: 2025-02-17. Review status: criteria provided, single submitter. Criteria: Invitae Variant Classification Sherloc (09022015). Collection method: clinical testing. Allele origin: germline.
Comment: This sequence change replaces glutamic acid, which is acidic and polar, with glycine, which is neutral and non-polar, at codon 758 of the HPS3 protein (p.Glu758Gly). This variant is present in population databases (no rsID available, gnomAD 0.0009%). This variant has not been reported in the literature in individuals affected with HPS3-related conditions. ClinVar contains an entry for this variant (Variation ID: 1440980). Invitae Evidence Modeling of protein sequence and biophysical properties (such as structural, functional, and spatial information, amino acid conservation, physicochemical variation, residue mobility, and thermodynamic stability) indicates that this missense variant is expected to disrupt HPS3 protein function with a positive predictive value of 80%. In summary, the available evidence is currently insufficient to determine the role of this variant in disease. Therefore, it has been classified as a Variant of Uncertain Significance.